The following is an entry in ClinVar:

NM_001453.3(FOXC1):c.894C>G (p.Ser298=)

Gene: FOXC1 (forkhead box C1; plus strand). Cytogenetic location: 6p25.3.
Variant type: single nucleotide variant.
Coding change: c.894C>G on transcript NM_001453.3 (MANE Select); coding-DNA position 894, C replaced by G.
Protein change: p.Ser298=; no amino-acid change (serine 298 retained).
Molecular consequence: synonymous variant.
Genome position (GRCh38, 1-based): chr6:1,611,339, C>G. VCF-style: chr6-1611339-C-G. GRCh37 (hg19) VCF-style: chr6-1611574-C-G.
Identifiers: ClinVar variation 4727766 (VCV004727766.1).

ClinVar aggregate classification (germline): Uncertain significance (1 of 4 stars; one submission).

Conditions:
Axenfeld-Rieger syndrome type 3 (RIEG3). Also called: AXENFELD-RIEGER ANOMALY WITH CARDIAC DEFECTS AND/OR SENSORINEURAL HEARING LOSS. Identifiers: Orphanet 782, MedGen C2678503, MONDO:0011233, OMIM 602482.

Submission:

Labcorp Genetics (formerly Invitae), Labcorp
Classification: Uncertain significance for Axenfeld-Rieger syndrome type 3. Last evaluated: 2025-12-27. Review status: criteria provided, single submitter. Criteria: Invitae Variant Classification Sherloc (09022015). Collection method: clinical testing. Allele origin: germline.
Comment: This sequence change affects codon 298 of the FOXC1 mRNA. It is a 'silent' change, meaning that it does not change the encoded amino acid sequence of the FOXC1 protein. This variant is not present in population databases (gnomAD no frequency). This variant has not been reported in the literature in individuals affected with FOXC1-related conditions. In summary, the available evidence is currently insufficient to determine the role of this variant in disease. Therefore, it has been classified as a Variant of Uncertain Significance.